The following is an entry in ClinVar:

ClinVar aggregate classification (germline): Uncertain significance (1 of 4 stars; one submission).

Conditions:
Brugada syndrome 8 (BRGDA8). Identifiers: Orphanet 130, MedGen C2751083, MONDO:0013148, OMIM 613123.

Submission:

Labcorp Genetics (formerly Invitae), Labcorp
Classification: Uncertain significance for Brugada syndrome 8. Last evaluated: 2019-06-04. Review status: criteria provided, single submitter. Criteria: Invitae Variant Classification Sherloc (09022015). Collection method: clinical testing. Allele origin: germline.
Comment: This variant results in a copy number gain of the genomic region encompassing the full coding sequence of the HCN4 gene. The boundaries of this event are unknown as they extend beyond the assayed region for this gene and therefore may encompass additional genes. As the precise location of this event is unknown, it may be in tandem or it may be located elsewhere in the genome. This variant has not been reported in the literature in individuals with HCN4-related conditions. In summary, the available evidence is currently insufficient to determine the role of this variant in disease. Therefore, it has been classified as a Variant of Uncertain Significance.

NC_000015.10:g.(?_72353681)_(73368280_?)dup

Genes: ADPGK (ADP dependent glucokinase; minus strand), ARIH1 (ariadne RBR E3 ubiquitin protein ligase 1; plus strand), BBS4 (Bardet-Biedl syndrome 4; plus strand), GOLGA6B (golgin A6 family member B; plus strand), HCN4 (hyperpolarization activated cyclic nucleotide gated potassium channel 4; minus strand) and 3 more. Cytogenetic location: 15q23-24.1.
Variant type: Duplication.
Identifiers: ClinVar variation 831142 (VCV000831142.1).